The following is an entry in ClinVar:

NM_001369268.1(ACAN):c.492C>T (p.Tyr164=)

Gene: ACAN (aggrecan; plus strand). Cytogenetic location: 15q26.1.
Variant type: single nucleotide variant.
Coding change: c.492C>T on transcript NM_001369268.1 (MANE Select); coding-DNA position 492, C replaced by T.
Protein change: p.Tyr164=; no amino-acid change (tyrosine 164 retained).
Molecular consequence: synonymous variant.
Genome position (GRCh38, 1-based): chr15:88,840,049, C>T. VCF-style: chr15-88840049-C-T. GRCh37 (hg19) VCF-style: chr15-89383280-C-T.
Other names: c.492C>T, p.Tyr164= (NM_001135.4, NM_001411096.1, NM_001411097.1 and 1 more transcripts); c.492C>T (NM_013227.3).
Identifiers: ClinVar variation 2891342 (VCV002891342.6), dbSNP rs375322679, ClinGen allele CA7719250.
Genomic context (GRCh38, chr15:88,840,049, plus strand): 5'-GTGGGCGTGTATGTGTCTTGCAGGCATCGTGTTCCATTACAGAGCCATCTCTACACGCTA[C>T]ACCCTCGACTTTGACAGGGCGCAGCGGGCCTGCCTGCAGAACAGTGCCATCATTGCCACG-3'
Protein context (NP_001356197.1, residues 154-174): VFHYRAISTR[Tyr164=]TLDFDRAQRA

ClinVar aggregate classification (germline): Likely benign. Review status: criteria provided, multiple submitters, no conflicts (2 of 4 stars). 3 submissions from 3 submitters: Likely benign (2). 1 of the submissions does not count toward it. Last evaluated 2026-07-01.

Conditions:
ACAN-related disorder. Also called: ACAN-related disorders; ACAN-related condition.

Allele frequency attached by ClinVar (database versions not stated): TOPMed 0.00006; ESP Exome Variant Server 0.00008; gnomAD 0.00011; gnomAD exomes 0.00012; ExAC 0.00019; 1000 Genomes Project 30x 0.00031; 1000 Genomes Project 0.00040.
gnomAD v4.1: 180 of 1,602,900 alleles (0.011%); highest among the groups gnomAD compares: Non-Finnish European, 0.015%; no homozygotes.

Submissions (3):

CeGaT Center for Human Genetics Tuebingen
Classification: Likely benign. Last evaluated: 2026-07-01. Review status: criteria provided, single submitter. Criteria: CeGaT Center For Human Genetics Tuebingen Variant Classification Criteria Version 2. Collection method: clinical testing. Allele origin: germline. Affected: yes. Observed: 1 variant allele.
Comment: ACAN: BS2

Labcorp Genetics (formerly Invitae), Labcorp
Classification: Likely benign. Last evaluated: 2025-10-07. Review status: criteria provided, single submitter. Criteria: Invitae Variant Classification Sherloc (09022015). Collection method: clinical testing. Allele origin: germline.

PreventionGenetics, part of Exact Sciences
Classification: Likely benign for ACAN-related condition. Last evaluated: 2019-03-13. Review status: no assertion criteria provided. Collection method: clinical testing. Allele origin: germline. Not counted in ClinVar's aggregate classification.
Comment: This variant is classified as likely benign based on ACMG/AMP sequence variant interpretation guidelines (Richards et al. 2015 PMID: 25741868, with internal and published modifications).